The following is an entry in ClinVar:

ClinVar aggregate classification (germline): Pathogenic (1 of 4 stars; one submission).

Submission:

Labcorp Genetics (formerly Invitae), Labcorp
Classification: Pathogenic. Last evaluated: 2024-12-16. Review status: criteria provided, single submitter. Criteria: Invitae Variant Classification Sherloc (09022015). Collection method: clinical testing. Allele origin: germline.
Comment: This sequence change creates a premature translational stop signal (p.Pro2298Leufs*90) in the COL7A1 gene. It is expected to result in an absent or disrupted protein product. Loss-of-function variants in COL7A1 are known to be pathogenic (PMID: 16971478). This variant is not present in population databases (gnomAD no frequency). This premature translational stop signal has been observed in individual(s) with epidermolysis bullosa dystrophica (PMID: 16971478). For these reasons, this variant has been classified as Pathogenic.

Literature cited by the submitters: PubMed 16971478.

NM_000094.4(COL7A1):c.6893del (p.Pro2298fs)

Gene: COL7A1 (collagen type VII alpha 1 chain; minus strand). Cytogenetic location: 3p21.31.
Variant type: Deletion.
Coding change: c.6893del on transcript NM_000094.4 (MANE Select); coding-DNA position 6893, one base deleted (C; older notation c.6893delC).
Protein change: p.Pro2298fs; shifts the reading frame from proline 2298.
Molecular consequence: frameshift variant.
Genome position (GRCh38, 1-based): chr3:48,572,678, G deleted on the plus strand (C on the coding strand, the reverse complement: COL7A1 is on the minus strand); the first of 4 consecutive G bases (chr3:48,572,678-48,572,681); deleting any one gives the same sequence. VCF-style (leftmost placement, unchanged base first): chr3-48572677-AG-A. GRCh37 (hg19) VCF-style: chr3-48610110-AG-A.
Other names: short protein forms P2298fs.
Identifiers: ClinVar variation 3720501 (VCV003720501.2).